The following is an entry in ClinVar:

ClinVar aggregate classification (germline): Likely benign (0 of 4 stars; one submission).

Conditions:
SIM1-related disorder. Also called: SIM1-related condition; SIM1-related disorders.

gnomAD v4.1: 8 of 1,614,104 alleles (0.0005%); highest among the groups gnomAD compares: African/African-American, 0.0053%; no homozygotes.

Submission:

PreventionGenetics, part of Exact Sciences
Classification: Likely benign for SIM1-related condition. Last evaluated: 2022-03-25. Review status: no assertion criteria provided. Collection method: clinical testing. Allele origin: germline.
Comment: This variant is classified as likely benign based on ACMG/AMP sequence variant interpretation guidelines (Richards et al. 2015 PMID: 25741868, with internal and published modifications).

NM_005068.3(SIM1):c.1299G>A (p.Ser433=)

Genes: SIM1 (SIM bHLH transcription factor 1; minus strand), SIM1-AS1 (SIM1 antisense RNA 1; plus strand). Cytogenetic location: 6q16.3.
Variant type: single nucleotide variant.
Coding change: c.1299G>A on transcript NM_005068.3 (MANE Select); coding-DNA position 1299, G replaced by A.
Protein change: p.Ser433=; no amino-acid change (serine 433 retained).
Molecular consequence: synonymous variant. On other transcripts: non-coding transcript variant (1).
Genome position (GRCh38, 1-based): chr6:100,393,758, C>T on the plus strand (G>A on the coding strand, the complement: SIM1 is on the minus strand). VCF-style: chr6-100393758-C-T. GRCh37 (hg19) VCF-style: chr6-100841634-C-T.
Other names: c.1299G>A, p.Ser433= (NM_001374769.1).
Identifiers: ClinVar variation 3354943 (VCV003354943.1).